The following is an entry in ClinVar:

ClinVar aggregate classification (germline): Uncertain significance. Review status: criteria provided, multiple submitters, no conflicts (2 of 4 stars). 2 submissions from 2 submitters: Uncertain significance (2). Last evaluated 2025-02-07.

Conditions:
Inborn genetic diseases. Identifiers: MedGen C0950123, MeSH D030342.

Allele frequency attached by ClinVar (database versions not stated): ExAC 0.00002; gnomAD 0.00002; TOPMed 0.00005.
gnomAD v4.1: 13 of 1,614,068 alleles (0.00081%); highest among the groups gnomAD compares: Admixed American, 0.018%; no homozygotes.

Submissions (2):

Ambry Genetics
Classification: Uncertain significance for Inborn genetic diseases. Last evaluated: 2025-02-07. Review status: criteria provided, single submitter. Criteria: Ambry Variant Classification Scheme 2023. Collection method: clinical testing. Allele origin: germline.

Labcorp Genetics (formerly Invitae), Labcorp
Classification: Uncertain significance. Last evaluated: 2024-10-03. Review status: criteria provided, single submitter. Criteria: Invitae Variant Classification Sherloc (09022015). Collection method: clinical testing. Allele origin: germline.
Comment: This sequence change replaces threonine, which is neutral and polar, with methionine, which is neutral and non-polar, at codon 602 of the TNFAIP3 protein (p.Thr602Met). This variant is present in population databases (rs760531232, gnomAD 0.007%). This variant has not been reported in the literature in individuals affected with TNFAIP3-related conditions. Invitae Evidence Modeling of protein sequence and biophysical properties (such as structural, functional, and spatial information, amino acid conservation, physicochemical variation, residue mobility, and thermodynamic stability) indicates that this missense variant is not expected to disrupt TNFAIP3 protein function with a negative predictive value of 80%. In summary, the available evidence is currently insufficient to determine the role of this variant in disease. Therefore, it has been classified as a Variant of Uncertain Significance.

NM_001270508.2(TNFAIP3):c.1805C>T (p.Thr602Met)

Gene: TNFAIP3 (TNF alpha induced protein 3; plus strand). Cytogenetic location: 6q23.3.
Variant type: single nucleotide variant.
Coding change: c.1805C>T on transcript NM_001270508.2 (MANE Select); coding-DNA position 1805, C replaced by T.
Protein change: p.Thr602Met; replaces threonine 602 with methionine.
Molecular consequence: missense variant.
Genome position (GRCh38, 1-based): chr6:137,879,250, C>T. VCF-style: chr6-137879250-C-T. GRCh37 (hg19) VCF-style: chr6-138200387-C-T.
Other names: c.1805C>T, p.Thr602Met (NM_001270507.2, NM_006290.4); c.1805C>T (NM_006290.2); short protein forms T602M.
Identifiers: ClinVar variation 2721338 (VCV002721338.4), dbSNP rs760531232, ClinGen allele CA4019712.